The following is an entry in ClinVar:

NM_001793.6(CDH3):c.1583C>G (p.Thr528Ser)

Gene: CDH3 (cadherin 3; plus strand). Cytogenetic location: 16q22.1.
Variant type: single nucleotide variant.
Coding change: c.1583C>G on transcript NM_001793.6 (MANE Select); coding-DNA position 1583, C replaced by G.
Protein change: p.Thr528Ser; replaces threonine 528 with serine.
Molecular consequence: missense variant.
Genome position (GRCh38, 1-based): chr16:68,687,524, C>G. VCF-style: chr16-68687524-C-G. GRCh37 (hg19) VCF-style: chr16-68721427-C-G.
Other names: c.1583C>G, p.Thr528Ser (NM_001317195.3); c.1418C>G, p.Thr473Ser (NM_001317196.2); short protein forms T473S, T528S.
Identifiers: ClinVar variation 2090472 (VCV002090472.4), dbSNP rs1349184649, ClinGen allele CA396454602.

ClinVar aggregate classification (germline): Uncertain significance (1 of 4 stars; one submission).

gnomAD v4.1: 2 of 1,614,084 alleles (0.00012%); highest among the groups gnomAD compares: Admixed American, 0.0033%; no homozygotes.

Submission:

Labcorp Genetics (formerly Invitae), Labcorp
Classification: Uncertain significance. Last evaluated: 2022-02-17. Review status: criteria provided, single submitter. Criteria: Invitae Variant Classification Sherloc (09022015). Collection method: clinical testing. Allele origin: germline.
Comment: In summary, the available evidence is currently insufficient to determine the role of this variant in disease. Therefore, it has been classified as a Variant of Uncertain Significance. This sequence change replaces threonine, which is neutral and polar, with serine, which is neutral and polar, at codon 528 of the CDH3 protein (p.Thr528Ser). This variant is not present in population databases (gnomAD no frequency). This variant has not been reported in the literature in individuals affected with CDH3-related conditions. Algorithms developed to predict the effect of missense changes on protein structure and function are either unavailable or do not agree on the potential impact of this missense change (SIFT: "Not Available"; PolyPhen-2: "Benign"; Align-GVGD: "Not Available").